The following is an entry in ClinVar:

NM_004369.4(COL6A3):c.9230-5T>C

Gene: COL6A3 (collagen type VI alpha 3 chain; minus strand). Cytogenetic location: 2q37.3.
Variant type: single nucleotide variant.
Coding change: c.9230-5T>C on transcript NM_004369.4 (MANE Select); 5 bases into the intron before coding-DNA position 9230, T replaced by C.
Molecular consequence: intron variant.
Genome position (GRCh38, 1-based): chr2:237,333,553, A>G on the plus strand (T>C on the coding strand, the complement: COL6A3 is on the minus strand). VCF-style: chr2-237333553-A-G. GRCh37 (hg19) VCF-style: chr2-238242196-A-G.
Other names: c.7409-5T>C (NM_057166.5); c.8612-5T>C (NM_057167.4).
Identifiers: ClinVar variation 3629486 (VCV003629486.2).
Genomic context (GRCh38, chr2:237,333,553, plus strand): 5'-GATGGTTGAACTAGAAGCTGACCTTGCTGGCTGTGGAGGTGGGGGCTGAGATTTCTCTAT[A>G]AAAGAAAAATATATGCAACTCGTAGGTAAATCAGAAACAGGAGGGCTTGGGAATCCTTAG-3'

ClinVar aggregate classification (germline): Likely benign (1 of 4 stars; one submission).

Submission:

Women's Health and Genetics/Laboratory Corporation of America, LabCorp
Classification: Likely benign. Last evaluated: 2024-11-29. Review status: criteria provided, single submitter. Criteria: LabCorp Variant Classification Summary - May 2015. Collection method: clinical testing. Allele origin: germline.
Comment: Variant summary: COL6A3 c.9230-5T>C alters a non-conserved nucleotide located close to a canonical splice site and therefore could affect mRNA splicing, leading to a significantly altered protein sequence. Consensus agreement among computation tools predict no significant impact on normal splicing. However, these predictions have yet to be confirmed by functional studies. The variant was absent in 251248 control chromosomes (gnomAD). The available data on variant occurrences in the general population are insufficient to allow any conclusion about variant significance. To our knowledge, no occurrence of c.9230-5T>C in individuals affected with Ullrich congenital muscular dystrophy 1-AR and no experimental evidence demonstrating its impact on protein function have been reported. No submitters have cited clinical-significance assessments for this variant to ClinVar. Based on the evidence outlined above, the variant was classified as likely benign.